The following is an entry in ClinVar:

NM_020800.3(IFT80):c.1922G>C (p.Gly641Ala)

Genes: TRIM59-IFT80 (TRIM59-IFT80 readthrough (NMD candidate); minus strand), IFT80 (intraflagellar transport 80; minus strand). Cytogenetic location: 3q25.33.
Variant type: single nucleotide variant.
Coding change: c.1922G>C on transcript NM_020800.3 (MANE Select); coding-DNA position 1922, G replaced by C.
Protein change: p.Gly641Ala; replaces glycine 641 with alanine.
Molecular consequence: missense variant. On other transcripts: non-coding transcript variant (3).
Genome position (GRCh38, 1-based): chr3:160,277,585, C>G on the plus strand (G>C on the coding strand, the complement: IFT80 is on the minus strand). VCF-style: chr3-160277585-C-G. GRCh37 (hg19) VCF-style: chr3-159995373-C-G.
Other names: c.1511G>C, p.Gly504Ala (NM_001190241.2, NM_001190242.2); short protein forms G504A, G641A.
Identifiers: ClinVar variation 1488977 (VCV001488977.6), dbSNP rs758343586, ClinGen allele CA355190521.

ClinVar aggregate classification (germline): Uncertain significance (1 of 4 stars; one submission).

Conditions:
Jeune thoracic dystrophy. Also called: Jeune syndrome; Infantile thoracic dystrophy; Thoracic pelvic phalangeal dystrophy; Jeune's syndrome; Chondroectodermal dysplasia-like syndrome; Short-rib thoracic dysplasia. Identifiers: Orphanet 474, MedGen C0265275, MONDO:0018770.

gnomAD v4.1: 3 of 1,611,492 alleles (0.00019%); highest among the groups gnomAD compares: Admixed American, 0.0017%; no homozygotes.

Submission:

Labcorp Genetics (formerly Invitae), Labcorp
Classification: Uncertain significance for Jeune thoracic dystrophy. Last evaluated: 2022-07-05. Review status: criteria provided, single submitter. Criteria: Invitae Variant Classification Sherloc (09022015). Collection method: clinical testing. Allele origin: germline.
Comment: Algorithms developed to predict the effect of missense changes on protein structure and function (SIFT, PolyPhen-2, Align-GVGD) all suggest that this variant is likely to be tolerated. In summary, the available evidence is currently insufficient to determine the role of this variant in disease. Therefore, it has been classified as a Variant of Uncertain Significance. ClinVar contains an entry for this variant (Variation ID: 1488977). This variant has not been reported in the literature in individuals affected with IFT80-related conditions. This variant is not present in population databases (gnomAD no frequency). This sequence change replaces glycine, which is neutral and non-polar, with alanine, which is neutral and non-polar, at codon 641 of the IFT80 protein (p.Gly641Ala).